The following is an entry in ClinVar:

ClinVar aggregate classification (germline): Pathogenic/Likely pathogenic. Review status: criteria provided, multiple submitters, no conflicts (2 of 4 stars). 4 submissions from 4 submitters: Pathogenic (3); Likely pathogenic (1). Last evaluated 2025-07-05.

Conditions:
Microcephalic primordial dwarfism, Alazami type. Also called: FACIAL DYSMORPHISM, INTELLECTUAL DISABILITY, AND PRIMORDIAL DWARFISM; Alazami syndrome. Identifiers: Orphanet 319671, MedGen C3554439, MONDO:0014031, OMIM 615071.

Submissions (4):

GeneDx
Classification: Pathogenic. Last evaluated: 2025-07-05. Review status: criteria provided, single submitter. Criteria: GeneDx Variant Classification Process June 2021. Collection method: clinical testing. Allele origin: germline. Affected: yes.
Comment: Frameshift variant predicted to result in protein truncation or nonsense mediated decay in a gene for which loss of function is a known mechanism of disease; Has not been previously published as pathogenic or benign to our knowledge

Women's Health and Genetics/Laboratory Corporation of America, LabCorp
Classification: Pathogenic for Microcephalic primordial dwarfism, Alazami type. Last evaluated: 2025-02-06. Review status: criteria provided, single submitter. Criteria: LabCorp Variant Classification Summary - May 2015. Collection method: clinical testing. Allele origin: germline.
Comment: Variant summary: LARP7 c.1213dupA (p.Thr405AsnfsX26) results in a premature termination codon, predicted to cause a truncation of the encoded protein or absence of the protein due to nonsense mediated decay, which are commonly known mechanisms for disease. The frequency data for this variant in gnomAD is considered unreliable, as metrics indicate poor data quality at this position. To our knowledge, no occurrence of c.1213dupA in individuals affected with Microcephalic Primordial Dwarfism, Alazami Type and no experimental evidence demonstrating its impact on protein function have been reported. ClinVar contains an entry for this variant (Variation ID: 376972). Based on the evidence outlined above, the variant was classified as pathogenic.

Labcorp Genetics (formerly Invitae), Labcorp
Classification: Pathogenic. Last evaluated: 2022-06-10. Review status: criteria provided, single submitter. Criteria: Invitae Variant Classification Sherloc (09022015). Collection method: clinical testing. Allele origin: germline.
Comment: This sequence change creates a premature translational stop signal (p.Thr405Asnfs*26) in the LARP7 gene. It is expected to result in an absent or disrupted protein product. Loss-of-function variants in LARP7 are known to be pathogenic (PMID: 22865833, 26374271, 26607181). The frequency data for this variant in the population databases is considered unreliable, as metrics indicate poor data quality at this position in the gnomAD database. This variant has not been reported in the literature in individuals affected with LARP7-related conditions. ClinVar contains an entry for this variant (Variation ID: 376972). For these reasons, this variant has been classified as Pathogenic.

Center for Pediatric Genomic Medicine, Children's Mercy Hospital and Clinics
Classification: Likely pathogenic. Last evaluated: 2016-07-14. Review status: criteria provided, single submitter. Criteria: ACMG Guidelines, 2015. Collection method: clinical testing. Allele origin: germline.

Literature cited by the submitters: PubMed 22865833 (cited by Labcorp Genetics (formerly Invitae), Labcorp); PubMed 26374271 (cited by Labcorp Genetics (formerly Invitae), Labcorp); PubMed 26607181 (cited by Labcorp Genetics (formerly Invitae), Labcorp).

NM_016648.4(LARP7):c.1213dup (p.Thr405fs)

Genes: MIR302CHG (miR-302/367 cluster host gene; minus strand), LARP7 (La ribonucleoprotein 7, transcriptional regulator; plus strand). Cytogenetic location: 4q25.
Variant type: Duplication.
Coding change: c.1213dup on transcript NM_016648.4 (MANE Select); coding-DNA position 1213, one base duplicated (A; older notation c.1213dupA).
Protein change: p.Thr405fs; shifts the reading frame from threonine 405.
Molecular consequence: frameshift variant.
Genome position (GRCh38, 1-based): chr4:112,649,605, A duplicated; the last of 8 consecutive A bases (chr4:112,649,598-112,649,605); duplicating any one gives the same sequence. VCF-style (leftmost placement, unchanged base first): chr4-112649597-T-TA. GRCh37 (hg19) VCF-style: chr4-113570753-T-TA.
Other names: c.1213dup, p.Thr405fs (NM_001267039.4, NM_001370978.1, NM_015454.3); c.1252dup, p.Thr418fs (NM_001370974.1, NM_001370975.1); c.1249dup, p.Thr417fs (NM_001370976.1, NM_001370977.1); c.1210dup, p.Thr404fs (NM_001370979.1, NM_001370980.1); c.976dup, p.Thr326fs (NM_001370981.1, NM_001370982.1); c.1213dupA (NM_016648.4); c.1213dup (NM_016648.3); short protein forms T405fs, T326fs, T404fs, T417fs, T418fs.
Identifiers: ClinVar variation 376972 (VCV000376972.9), dbSNP rs750946801, ClinGen allele CA3049628.